The following is an entry in ClinVar:

ClinVar aggregate classification (germline): Uncertain significance (1 of 4 stars; one submission).

gnomAD v4.1: 1 of 1,613,560 alleles (0.000062%); highest among the groups gnomAD compares: African/African-American, 0.0013%; no homozygotes.

Submission:

CeGaT Center for Human Genetics Tuebingen
Classification: Uncertain significance. Last evaluated: 2025-02-01. Review status: criteria provided, single submitter. Criteria: CeGaT Center For Human Genetics Tuebingen Variant Classification Criteria Version 2. Collection method: clinical testing. Allele origin: germline. Affected: yes. Observed: 1 variant allele.
Comment: DLG2: PM2

NM_001142699.3(DLG2):c.1901G>C (p.Gly634Ala)

Gene: DLG2 (discs large MAGUK scaffold protein 2; minus strand). Cytogenetic location: 11q14.1.
Variant type: single nucleotide variant.
Coding change: c.1901G>C on transcript NM_001142699.3 (MANE Select); coding-DNA position 1901, G replaced by C.
Protein change: p.Gly634Ala; replaces glycine 634 with alanine.
Molecular consequence: missense variant. On other transcripts: non-coding transcript variant (1).
Genome position (GRCh38, 1-based): chr11:83,633,250, C>G on the plus strand (G>C on the coding strand, the complement: DLG2 is on the minus strand). VCF-style: chr11-83633250-C-G. GRCh37 (hg19) VCF-style: chr11-83344293-C-G.
Other names: c.1277G>C, p.Gly426Ala (NM_001142700.2); c.32G>C, p.Gly11Ala (NM_001142702.2, NM_001377980.1, NM_001377981.1 and 3 more transcripts); c.1703G>C, p.Gly568Ala (NM_001206769.2, NM_001377966.1, NM_001377967.1); c.1586G>C, p.Gly529Ala (NM_001300983.1, NM_001364.3, NM_001377968.1); c.1937G>C, p.Gly646Ala (NM_001351274.2); c.1934G>C, p.Gly645Ala (NM_001351275.2); c.1643G>C, p.Gly548Ala (NM_001351276.2); c.1547G>C, p.Gly516Ala (NM_001377970.1, NM_001377971.1); and 5 more; short protein forms G11A, G38A, G40A, G426A, G444A, G487A, G496A, G516A.
Identifiers: ClinVar variation 3772595 (VCV003772595.13).
Genomic context (GRCh38, chr11:83,633,250, plus strand): 5'-GAGAAATACTCCTTTGCCTACCTGACGTAGAGGGAGCGTTTCTGATTGGTTCGCAGGGAT[C>G]CGGACCCGGAGCTCATGCTGTGGTTCATCATCTGCTCTCGTAGGTCATGGATTTTGGCCT-3'
Protein context (NP_001136171.1, residues 624-644): MMNHSMSSGS[Gly634Ala]SLRTNQKRSL